The following is an entry in ClinVar:

NM_001048174.2(MUTYH):c.775G>A (p.Ala259Thr)

Gene: MUTYH (mutY DNA glycosylase; minus strand). Cytogenetic location: 1p34.1.
Variant type: single nucleotide variant.
Coding change: c.775G>A on transcript NM_001048174.2 (MANE Select); coding-DNA position 775, G replaced by A.
Protein change: p.Ala259Thr; replaces alanine 259 with threonine.
Molecular consequence: missense variant. On other transcripts: non-coding transcript variant (2).
Genome position (GRCh38, 1-based): chr1:45,332,240, C>T on the plus strand (G>A on the coding strand, the complement: MUTYH is on the minus strand). VCF-style: chr1-45332240-C-T. GRCh37 (hg19) VCF-style: chr1-45797912-C-T.
Other names: c.775G>A, p.Ala259Thr (NM_001048171.2, NM_001048173.2, NM_001293195.2); c.778G>A, p.Ala260Thr (NM_001048172.2); c.859G>A, p.Ala287Thr (NM_001128425.2); c.820G>A, p.Ala274Thr (NM_001293190.2); c.808G>A, p.Ala270Thr (NM_001293191.2); c.499G>A, p.Ala167Thr (NM_001293192.2, NM_001293196.2); c.430G>A, p.Ala144Thr (NM_001350650.2, NM_001350651.2); c.850G>A, p.Ala284Thr (NM_012222.3); short protein forms A287T, A167T, A270T, A259T, A274T, A144T, A260T, A284T.
Identifiers: ClinVar variation 188122 (VCV000188122.19), dbSNP rs786204085, ClinGen allele CA014480.

ClinVar aggregate classification (germline): Uncertain significance. Review status: criteria provided, multiple submitters, no conflicts (2 of 4 stars). 5 submissions from 5 submitters: Uncertain significance (5). Last evaluated 2026-08-19.

Conditions:
Hereditary cancer-predisposing syndrome. Also called: Neoplastic Syndromes, Hereditary; Hereditary Cancer Syndrome; Tumor predisposition; Hereditary neoplastic syndrome. Identifiers: Orphanet 140162, MedGen C0027672, MeSH D009386, MONDO:0015356.
Familial adenomatous polyposis 2. Also called: COLORECTAL ADENOMATOUS POLYPOSIS, AUTOSOMAL RECESSIVE; ADENOMAS, MULTIPLE COLORECTAL, AUTOSOMAL RECESSIVE; FAP type 2; MYH-associated polyposis; MUTYH-associated polyposis; MUTYH Polyposis. Identifiers: Orphanet 220460, Orphanet 247798, MedGen C3272841, MONDO:0012041, OMIM 608456.

gnomAD v4.1: 1 of 1,614,118 alleles (0.000062%); highest among the groups gnomAD compares: Non-Finnish European, 0.000085%; no homozygotes.

Submissions (5):

Ambry Genetics
Classification: Uncertain significance for Hereditary cancer-predisposing syndrome. Last evaluated: 2026-08-19. Review status: criteria provided, single submitter. Criteria: Ambry Variant Classification Scheme 2023. Collection method: clinical testing. Allele origin: germline.
Comment: The p.A287T variant (also known as c.859G>A), located in coding exon 10 of the MUTYH gene, results from a G to A substitution at nucleotide position 859. The alanine at codon 287 is replaced by threonine, an amino acid with similar properties. This amino acid position is highly conserved in available vertebrate species. In addition, this alteration is predicted to be deleterious by in silico analysis. Based on the available evidence, the clinical significance of this variant remains unclear.

Labcorp Genetics (formerly Invitae), Labcorp
Classification: Uncertain significance for Familial adenomatous polyposis 2. Last evaluated: 2025-07-06. Review status: criteria provided, single submitter. Criteria: Invitae Variant Classification Sherloc (09022015). Collection method: clinical testing. Allele origin: germline.
Comment: This sequence change replaces alanine, which is neutral and non-polar, with threonine, which is neutral and polar, at codon 287 of the MUTYH protein (p.Ala287Thr). This variant is not present in population databases (gnomAD no frequency). This variant has not been reported in the literature in individuals affected with MUTYH-related conditions. ClinVar contains an entry for this variant (Variation ID: 188122). An algorithm developed to predict the effect of missense changes on protein structure and function (PolyPhen-2) suggests that this variant is likely to be disruptive. In summary, the available evidence is currently insufficient to determine the role of this variant in disease. Therefore, it has been classified as a Variant of Uncertain Significance.

Color Diagnostics, LLC DBA Color Health
Classification: Uncertain significance for Hereditary cancer-predisposing syndrome. Last evaluated: 2023-12-05. Review status: criteria provided, single submitter. Criteria: ACMG Guidelines, 2015. Collection method: clinical testing. Allele origin: germline.
Comment: This missense variant replaces alanine with threonine at codon 287 of the MUTYH protein. Computational prediction suggests that this variant may have deleterious impact on protein structure and function (internally defined REVEL score threshold >= 0.7, PMID: 27666373). To our knowledge, functional studies have not been reported for this variant. This variant has not been reported in individuals affected with MUTYH-related disorders in the literature. This variant has not been identified in the general population by the Genome Aggregation Database (gnomAD). The available evidence is insufficient to determine the role of this variant in disease conclusively. Therefore, this variant is classified as a Variant of Uncertain Significance.

All of Us Research Program, National Institutes of Health
Classification: Uncertain significance for Familial adenomatous polyposis 2. Last evaluated: 2023-08-08. Review status: criteria provided, single submitter. Criteria: ACMG Guidelines, 2015. Collection method: clinical testing. Allele origin: germline. Inheritance: Autosomal recessive inheritance. Observed: 1 variant allele, 1 heterozygote.
Comment: This study involves interpretation of variants in research participants for the purpose of population health screening. Participant phenotype was not available at the time of variant classification. Additional details can be found in publication PMID: 35346344, PMCID: PMC8962531

GeneDx
Classification: Uncertain significance. Last evaluated: 2023-03-29. Review status: criteria provided, single submitter. Criteria: GeneDx Variant Classification Process June 2021. Collection method: clinical testing. Allele origin: germline. Affected: yes.
Comment: Not observed at significant frequency in large population cohorts (gnomAD); In silico analysis supports that this missense variant has a deleterious effect on protein structure/function; Has not been previously published as pathogenic or benign to our knowledge; This variant is associated with the following publications: (PMID: 25124163, 11092888, 11160897)